The following is an entry in ClinVar:

ClinVar aggregate classification (germline): Uncertain significance (1 of 4 stars; one submission).

Submission:

Labcorp Genetics (formerly Invitae), Labcorp
Classification: Uncertain significance. Last evaluated: 2025-05-14. Review status: criteria provided, single submitter. Criteria: Invitae Variant Classification Sherloc (09022015). Collection method: clinical testing. Allele origin: germline.
Comment: This variant, c.1111_1113del, results in the deletion of 1 amino acid(s) of the TMC1 protein (p.Phe371del), but otherwise preserves the integrity of the reading frame. This variant is present in population databases (no rsID available, gnomAD 0.004%). This variant has not been reported in the literature in individuals affected with TMC1-related conditions. Experimental studies and prediction algorithms are not available or were not evaluated, and the functional significance of this variant is currently unknown. In summary, the available evidence is currently insufficient to determine the role of this variant in disease. Therefore, it has been classified as a Variant of Uncertain Significance.

NM_138691.3(TMC1):c.1108TTC[1] (p.Phe371del)

Gene: TMC1 (transmembrane channel like 1; plus strand). Cytogenetic location: 9q21.13.
Variant type: Microsatellite.
Coding change: c.1108TTC[1] on transcript NM_138691.3 (MANE Select); one copy of the 3-base unit TTC starting at c.1108; the reference has two copies in a row; one copy, 3 bases deleted.
Protein change: p.Phe371del; deletes phenylalanine 371.
Molecular consequence: inframe deletion.
Genome position (GRCh38, 1-based): chr9:72,789,204-72,789,206, TTC deleted; deleting any 3 consecutive bases within chr9:72,789,200-72,789,206 gives the same sequence; the position shown is the placement nearest the transcript's 3' end. VCF-style (leftmost placement, unchanged base first): chr9-72789199-ACTT-A. GRCh37 (hg19) VCF-style: chr9-75404115-ACTT-A.
Other names: short protein forms F371del.
Identifiers: ClinVar variation 4705213 (VCV004705213.1).
Genomic context (GRCh38, chr9:72,789,199, plus strand): 5'-AAAAAGCAGCCCAAGTAGAAGAAAACGTCCACTTGATCAGATTCCTGAGGTTTCTGGCTA[ACTT>A]CTTCGTGTTTCTAACACTTGGAGGGAGTGGATACCTCATCTTTTGGGCTGTGAAGCGATC-3'